The following is an entry in ClinVar:

NM_013275.6(ANKRD11):c.1966A>G (p.Ser656Gly)

Gene: ANKRD11 (ankyrin repeat domain 11; minus strand). Cytogenetic location: 16q24.3.
Variant type: single nucleotide variant.
Coding change: c.1966A>G on transcript NM_013275.6 (MANE Select); coding-DNA position 1966, A replaced by G.
Protein change: p.Ser656Gly; replaces serine 656 with glycine.
Molecular consequence: missense variant.
Genome position (GRCh38, 1-based): chr16:89,284,576, T>C on the plus strand (A>G on the coding strand, the complement: ANKRD11 is on the minus strand). VCF-style: chr16-89284576-T-C. GRCh37 (hg19) VCF-style: chr16-89350984-T-C.
Other names: c.1966A>G, p.Ser656Gly (NM_001256182.2, NM_001256183.2); short protein forms S656G.
Identifiers: ClinVar variation 1448745 (VCV001448745.6), dbSNP rs2151761926, ClinGen allele CA397163510.

ClinVar aggregate classification (germline): Uncertain significance (1 of 4 stars; one submission).

Conditions:
KBG syndrome (KBGS). Also called: ANKRD11-Related KBG Syndrome. Identifiers: Orphanet 2332, MedGen C0220687, MONDO:0007846, OMIM 148050.

gnomAD v4.1: 1 of 1,614,206 alleles (0.000062%); highest among the groups gnomAD compares: Non-Finnish European, 0.000085%; no homozygotes.

Submission:

Labcorp Genetics (formerly Invitae), Labcorp
Classification: Uncertain significance for KBG syndrome. Last evaluated: 2021-12-02. Review status: criteria provided, single submitter. Criteria: Invitae Variant Classification Sherloc (09022015). Collection method: clinical testing. Allele origin: germline.
Comment: This variant is not present in population databases (gnomAD no frequency). This sequence change replaces serine, which is neutral and polar, with glycine, which is neutral and non-polar, at codon 656 of the ANKRD11 protein (p.Ser656Gly). This variant has not been reported in the literature in individuals affected with ANKRD11-related conditions. Advanced modeling of protein sequence and biophysical properties (such as structural, functional, and spatial information, amino acid conservation, physicochemical variation, residue mobility, and thermodynamic stability) performed at Invitae indicates that this missense variant is not expected to disrupt ANKRD11 protein function. In summary, the available evidence is currently insufficient to determine the role of this variant in disease. Therefore, it has been classified as a Variant of Uncertain Significance.